The following is an entry in ClinVar:

NM_000179.3(MSH6):c.1660C>G (p.Arg554Gly)

Gene: MSH6 (mutS homolog 6; plus strand). Cytogenetic location: 2p16.3.
Variant type: single nucleotide variant.
Coding change: c.1660C>G on transcript NM_000179.3 (MANE Select); coding-DNA position 1660, C replaced by G.
Protein change: p.Arg554Gly; replaces arginine 554 with glycine.
Molecular consequence: missense variant.
Genome position (GRCh38, 1-based): chr2:47,799,643, C>G. VCF-style: chr2-47799643-C-G. GRCh37 (hg19) VCF-style: chr2-48026782-C-G.
Other names: c.1363C>G, p.Arg455Gly (NM_001406827.1, NM_001406828.1, NM_001406830.1 and 10 more transcripts); c.754C>G, p.Arg252Gly (NM_001406829.1, NM_001281493.2, NM_001281494.2 and 6 more transcripts); c.1270C>G, p.Arg424Gly (NM_001281492.2); c.1756C>G, p.Arg586Gly (NM_001406795.1, NM_001406802.1); c.1660C>G, p.Arg554Gly (NM_001406796.1, NM_001406798.1, NM_001406800.1 and 3 more transcripts); c.1135C>G, p.Arg379Gly (NM_001406799.1, NM_001406806.1, NM_001406807.1); c.1582C>G, p.Arg528Gly (NM_001406804.1); c.1666C>G, p.Arg556Gly (NM_001406813.1); and 1 more; short protein forms R455G, R498G, R528G, R554G, R556G, R252G, R379G, R586G.
Identifiers: ClinVar variation 1777479 (VCV001777479.2), dbSNP rs775716798, ClinGen allele CA346747325.

ClinVar aggregate classification (germline): Uncertain significance (1 of 4 stars; one submission).

Conditions:
Hereditary cancer-predisposing syndrome. Also called: Neoplastic Syndromes, Hereditary; Tumor predisposition; Hereditary Cancer Syndrome; Hereditary neoplastic syndrome. Identifiers: Orphanet 140162, MedGen C0027672, MeSH D009386, MONDO:0015356.

Submission:

Ambry Genetics
Classification: Uncertain significance for Hereditary cancer-predisposing syndrome. Last evaluated: 2020-08-03. Review status: criteria provided, single submitter. Criteria: Ambry Variant Classification Scheme 2023. Collection method: clinical testing. Allele origin: germline.
Comment: The p.R554G variant (also known as c.1660C>G), located in coding exon 4 of the MSH6 gene, results from a C to G substitution at nucleotide position 1660. The arginine at codon 554 is replaced by glycine, an amino acid with dissimilar properties. This amino acid position is well conserved in available vertebrate species. In addition, the in silico prediction for this alteration is inconclusive. Since supporting evidence is limited at this time, the clinical significance of this alteration remains unclear.